The following is an entry in ClinVar:

ClinVar aggregate classification (germline): Uncertain significance (1 of 4 stars; one submission).

Conditions:
Inborn genetic diseases. Identifiers: MedGen C0950123, MeSH D030342.

gnomAD v4.1: 3 of 1,613,966 alleles (0.00019%); highest among the groups gnomAD compares: South Asian, 0.0022%; no homozygotes.

Submission:

Ambry Genetics
Classification: Uncertain significance for Inborn genetic diseases. Last evaluated: 2026-02-21. Review status: criteria provided, single submitter. Criteria: Ambry Variant Classification Scheme 2023. Collection method: clinical testing. Allele origin: germline.
Comment: The p.K354R variant (also known as c.1061A>G), located in coding exon 5 of the SH2B3 gene, results from an A to G substitution at nucleotide position 1061. The lysine at codon 354 is replaced by arginine, an amino acid with highly similar properties. This amino acid position is conserved. In addition, this alteration is predicted to be tolerated by in silico analysis. Based on the available evidence, the clinical significance of this variant remains unclear.

NM_005475.3(SH2B3):c.1061A>G (p.Lys354Arg)

Gene: SH2B3 (SH2B adaptor protein 3; plus strand). Cytogenetic location: 12q24.12.
Variant type: single nucleotide variant.
Coding change: c.1061A>G on transcript NM_005475.3 (MANE Select); coding-DNA position 1061, A replaced by G.
Protein change: p.Lys354Arg; replaces lysine 354 with arginine.
Molecular consequence: missense variant.
Genome position (GRCh38, 1-based): chr12:111,447,369, A>G. VCF-style: chr12-111447369-A-G. GRCh37 (hg19) VCF-style: chr12-111885173-A-G.
Other names: c.455A>G, p.Lys152Arg (NM_001291424.1); short protein forms K152R, K354R.
Identifiers: ClinVar variation 4824369 (VCV004824369.1).